The following is an entry in ClinVar:

ClinVar aggregate classification (germline): Uncertain significance (1 of 4 stars; one submission).

Conditions:
Familial thoracic aortic aneurysm and aortic dissection (TAAD). Also called: Thoracic aortic aneurysms and dissections. Identifiers: Orphanet 91387, MedGen C4707243, MONDO:0019625.

gnomAD v4.1: 5 of 1,592,430 alleles (0.00031%); highest among the groups gnomAD compares: Non-Finnish European, 0.00043%; no homozygotes.

Submission:

Labcorp Genetics (formerly Invitae), Labcorp
Classification: Uncertain significance for Familial thoracic aortic aneurysm and aortic dissection. Last evaluated: 2024-10-11. Review status: criteria provided, single submitter. Criteria: Invitae Variant Classification Sherloc (09022015). Collection method: clinical testing. Allele origin: germline.
Comment: This sequence change replaces glycine, which is neutral and non-polar, with valine, which is neutral and non-polar, at codon 8 of the TGFBR2 protein (p.Gly8Val). This variant is not present in population databases (gnomAD no frequency). This variant has not been reported in the literature in individuals affected with TGFBR2-related conditions. Invitae Evidence Modeling of protein sequence and biophysical properties (such as structural, functional, and spatial information, amino acid conservation, physicochemical variation, residue mobility, and thermodynamic stability) indicates that this missense variant is not expected to disrupt TGFBR2 protein function with a negative predictive value of 95%. In summary, the available evidence is currently insufficient to determine the role of this variant in disease. Therefore, it has been classified as a Variant of Uncertain Significance.

NM_003242.6(TGFBR2):c.23G>T (p.Gly8Val)

Gene: TGFBR2 (transforming growth factor beta receptor 2; plus strand). Cytogenetic location: 3p24.1.
Variant type: single nucleotide variant.
Coding change: c.23G>T on transcript NM_003242.6 (MANE Select); coding-DNA position 23, G replaced by T.
Protein change: p.Gly8Val; replaces glycine 8 with valine.
Molecular consequence: missense variant. On other transcripts: 5 prime UTR variant (4), intron variant (2).
Genome position (GRCh38, 1-based): chr3:30,606,906, G>T. VCF-style: chr3-30606906-G-T. GRCh37 (hg19) VCF-style: chr3-30648398-G-T.
Other names: c.23G>T, p.Gly8Val (NM_001024847.3, NM_001407126.1, NM_001407127.1 and 4 more transcripts); c.-261G>T (NM_001407133.1); c.-139G>T (NM_001407134.1); c.-186G>T (NM_001407135.1); c.-271G>T (NM_001407136.1); c.-12+313G>T (NM_001407129.1, NM_001407132.1); short protein forms G8V.
Identifiers: ClinVar variation 3681378 (VCV003681378.2).